The following is an entry in ClinVar:

NM_006612.6(KIF1C):c.2005C>T (p.Arg669Ter)

Genes: KIF1C (kinesin family member 1C; plus strand), LOC126862473 (CDK7 strongly-dependent group 2 enhancer GRCh37_chr17:4923264-4924463; plus strand). Cytogenetic location: 17p13.2.
Variant type: single nucleotide variant.
Coding change: c.2005C>T on transcript NM_006612.6 (MANE Select); coding-DNA position 2005, C replaced by T.
Protein change: p.Arg669Ter; replaces arginine 669 with a stop codon.
Molecular consequence: nonsense.
Genome position (GRCh38, 1-based): chr17:5,020,873, C>T. VCF-style: chr17-5020873-C-T. GRCh37 (hg19) VCF-style: chr17-4924168-C-T.
Other names: NM_006612.6:c.2005C>T; short protein forms R669*.
Identifiers: ClinVar variation 2412751 (VCV002412751.2), dbSNP rs1456471745, ClinGen allele CA397310918.

ClinVar aggregate classification (germline): Pathogenic/Likely pathogenic. Review status: criteria provided, multiple submitters, no conflicts (2 of 4 stars). 2 submissions from 2 submitters: Pathogenic (1); Likely pathogenic (1). Last evaluated 2025-12-25.

Conditions:
Spastic ataxia 2. Also called: Ataxia, spastic, 2, autosomal recessive. Identifiers: Orphanet 397946, MedGen C1969796, MONDO:0012651, OMIM 611302.

Allele frequency attached by ClinVar (database versions not stated): TOPMed below 0.00001; gnomAD exomes 0.00001.
gnomAD v4.1: 8 of 1,577,438 alleles (0.00051%); highest among the groups gnomAD compares: Non-Finnish European, 0.00069%; no homozygotes.

Submissions (2):

Labcorp Genetics (formerly Invitae), Labcorp
Classification: Pathogenic for Spastic ataxia 2. Last evaluated: 2025-12-25. Review status: criteria provided, single submitter. Criteria: Invitae Variant Classification Sherloc (09022015). Collection method: clinical testing. Allele origin: germline.
Comment: This sequence change creates a premature translational stop signal (p.Arg669*) in the KIF1C gene. It is expected to result in an absent or disrupted protein product. Loss-of-function variants in KIF1C are known to be pathogenic (PMID: 24319291, 24482476). The frequency data for this variant in the population databases is considered unreliable, as metrics indicate poor data quality at this position in the gnomAD database. This variant has not been reported in the literature in individuals affected with KIF1C-related conditions. ClinVar contains an entry for this variant (Variation ID: 2412751). For these reasons, this variant has been classified as Pathogenic.

Broad Center for Mendelian Genomics, Broad Institute of MIT and Harvard
Classification: Likely pathogenic for Spastic ataxia 2. Last evaluated: 2023-01-25. Review status: criteria provided, single submitter. Criteria: ACMG Guidelines, 2015. Collection method: curation. Allele origin: germline. Inheritance: Autosomal recessive inheritance.
Comment: The p.Arg669Ter variant in KIF1C has not been previously reported in individuals with spastic ataxia 2 but has been identified in 0.0008% (1/125568) of chromosomes by TopMed Bravo (dbSNP ID: rs1456471745). Although this variant has been seen in the general population in a heterozygous state, its frequency is low enough to be consistent with a recessive carrier frequency. This nonsense variant leads to a premature termination codon at position 669, which is predicted to lead to a truncated or absent protein. Loss of function of the KIF1C gene is strongly associated to autosomal recessive spastic ataxia 2. In summary, although additional studies are required to fully establish its clinical significance, this variant is likely pathogenic for spastic ataxia 2. ACMG/AMP Criteria applied: PVS1_Strong, PM2_Supporting, PM3_Supporting (Richards 2015).

Literature cited by the submitters: PubMed 24319291 (cited by Labcorp Genetics (formerly Invitae), Labcorp); PubMed 24482476 (cited by Labcorp Genetics (formerly Invitae), Labcorp).